The following is an entry in ClinVar:

NM_005609.4(PYGM):c.1147G>A (p.Glu383Lys)

Gene: PYGM (glycogen phosphorylase, muscle associated; minus strand). Cytogenetic location: 11q13.1.
Variant type: single nucleotide variant.
Coding change: c.1147G>A on transcript NM_005609.4 (MANE Select); coding-DNA position 1147, G replaced by A.
Protein change: p.Glu383Lys; replaces glutamic acid 383 with lysine.
Molecular consequence: missense variant.
Genome position (GRCh38, 1-based): chr11:64,753,971, C>T on the plus strand (G>A on the coding strand, the complement: PYGM is on the minus strand). VCF-style: chr11-64753971-C-T. GRCh37 (hg19) VCF-style: chr11-64521443-C-T.
Other names: c.883G>A, p.Glu295Lys (NM_001164716.1); short protein forms E383K, E295K.
Identifiers: ClinVar variation 430154 (VCV000430154.22), dbSNP rs757681143, ClinGen allele CA6079985.

ClinVar aggregate classification (germline): Pathogenic/Likely pathogenic. Review status: criteria provided, multiple submitters, no conflicts (2 of 4 stars). 9 submissions from 9 submitters: Pathogenic (1); Likely pathogenic (8). Last evaluated 2026-02-26.

Conditions:
PYGM-related disorder. Also called: PYGM-related condition.
Glycogen storage disease, type V (GSD5). Also called: McArdle type glycogen storage disease; PYGM DEFICIENCY; MCARDLE DISEASE; MUSCLE GLYCOGEN PHOSPHORYLASE DEFICIENCY; MYOPHOSPHORYLASE DEFICIENCY. Identifiers: Orphanet 368, MedGen C0017924, MONDO:0009293, OMIM 232600.

Allele frequency attached by ClinVar (database versions not stated): gnomAD 0.00001; gnomAD exomes 0.00001; ExAC 0.00002; TOPMed 0.00003.

Submissions (9):

Myriad Genetics, Inc.
Classification: Likely pathogenic for Glycogen storage disease, type V. Last evaluated: 2026-02-26. Review status: criteria provided, single submitter. Criteria: Myriad Autosomal Dominant, Autosomal Recessive and X-Linked Classification Criteria (2023). Collection method: clinical testing. Allele origin: unknown.
Comment: NM_005609.2(PYGM):c.1147G>A(E383K) is a missense variant classified as likely pathogenic in the context of glycogen storage disease, PYGM-related. E383K has been observed in cases with relevant disease (PMID: 16793208, 22250184). Relevant functional assessments of this variant are not available in the literature. E383K has been observed in referenced population frequency databases. In summary, NM_005609.2(PYGM):c.1147G>A(E383K) is a missense variant that has been observed more frequently in cases with the relevant disease than in healthy populations. Please note: this variant was assessed in the context of healthy population screening.

Labcorp Genetics (formerly Invitae), Labcorp
Classification: Pathogenic for Glycogen storage disease, type V. Last evaluated: 2025-09-03. Review status: criteria provided, single submitter. Criteria: Invitae Variant Classification Sherloc (09022015). Collection method: clinical testing. Allele origin: germline.
Comment: This sequence change replaces glutamic acid, which is acidic and polar, with lysine, which is basic and polar, at codon 383 of the PYGM protein (p.Glu383Lys). This variant is present in population databases (rs757681143, gnomAD 0.006%). This missense change has been observed in individual(s) with myophosphorylase deficiency (PMID: 16793208, 17404776, 22250184, 29143597). ClinVar contains an entry for this variant (Variation ID: 430154). Invitae Evidence Modeling of protein sequence and biophysical properties (such as structural, functional, and spatial information, amino acid conservation, physicochemical variation, residue mobility, and thermodynamic stability) indicates that this missense variant is expected to disrupt PYGM protein function with a positive predictive value of 95%. For these reasons, this variant has been classified as Pathogenic.

Natera, Inc.
Classification: Likely pathogenic for Glycogen storage disease V. Last evaluated: 2025-06-23. Review status: criteria provided, single submitter. Criteria: Natera Variant Classification Schema (03/2026). Collection method: clinical testing. Allele origin: germline.
Comment: The c.1147G>A variant in PYGM is a missense variant predicted to cause substitution of glutamic acid to lysine at amino acid 383. This variant is rare in the general population with a frequency below the threshold expected for the associated phenotype(s). This variant has been observed in one or more individuals affected with the associated recessive disease, as either homozygous or compound heterozygous with a second variant (PMID: 29143597, 16793208). This variant has been identified in one or more affected individuals with a phenotype highly consistent with the associated gene (PMID: 29143597, 16793208). Computational prediction algorithms indicate this variant is likely to affect gene or protein function. Given the available evidence, this variant is classified as Likely Pathogenic.

Baylor Genetics
Classification: Likely pathogenic for Glycogen storage disease, type V. Last evaluated: 2024-02-05. Review status: criteria provided, single submitter. Criteria: ACMG Guidelines, 2015. Collection method: clinical testing. Allele origin: unknown.

Fulgent Genetics
Classification: Likely pathogenic for Glycogen storage disease, type V. Last evaluated: 2024-01-17. Review status: criteria provided, single submitter. Criteria: ACMG Guidelines, 2015. Collection method: clinical testing. Allele origin: germline.

Women's Health and Genetics/Laboratory Corporation of America, LabCorp
Classification: Likely pathogenic for Glycogen storage disease, type V. Last evaluated: 2023-12-15. Review status: criteria provided, single submitter. Criteria: LabCorp Variant Classification Summary - May 2015. Collection method: clinical testing. Allele origin: germline.
Comment: Variant summary: PYGM c.1147G>A (p.Glu383Lys) results in a conservative amino acid change in the encoded protein sequence. Four of five in-silico tools predict a damaging effect of the variant on protein function. The variant allele was found at a frequency of 8.5e-06 in 234212 control chromosomes (gnomAD). c.1147G>A has been reported in the literature in individuals affected with McArdle disease (examples: Rommel_2006, Lucia_2012, Santalla_2017). These data indicate that the variant is likely to be associated with disease. To our knowledge, no experimental evidence demonstrating an impact on protein function has been reported. The following publications have been ascertained in the context of this evaluation (PMID: 22250184, 16793208, 29143597). Four submitters have cited clinical-significance assessments for this variant to ClinVar after 2014. All submitters classified the variant as pathogenic/likely pathogenic. Based on the evidence outlined above, the variant was classified as likely pathogenic.

PreventionGenetics, part of Exact Sciences
Classification: Likely pathogenic for PYGM-related condition. Last evaluated: 2023-02-08. Review status: criteria provided, single submitter. Criteria: ACMG Guidelines, 2015. Collection method: clinical testing. Allele origin: germline.
Comment: The PYGM c.1147G>A variant is predicted to result in the amino acid substitution p.Glu383Lys. This variant was reported in two individuals with McArdle disease. In both patients, myophosphorylase deficiency was proven either biochemically using muscle biopsy or by histochemical staining revealing absent phosphorylase. Both patients were also carrier of the c.1155_1156delGG pathogenic variant. It is unclear if the variants were found on opposite alleles (Patients 3 and 5, Rommel et al. 2006. PubMed ID: 16793208). The p.Glu383Lys variant has also been reported, along with the p.Arg50* common pathogenic variant, in three Spanish patients with McArdle disease (Santalla et al. 2017. PubMed ID: 29143597). This variant is reported in 0.0052% of alleles in individuals of East Asian descent in gnomAD. This variant is interpreted as likely pathogenic.

GeneDx
Classification: Likely pathogenic. Last evaluated: 2021-01-05. Review status: criteria provided, single submitter. Criteria: GeneDx Variant Classification Process June 2021. Collection method: clinical testing. Allele origin: germline. Affected: yes.
Comment: Not observed at a significant frequency in large population cohorts (Lek et al., 2016); In silico analysis supports that this missense variant has a deleterious effect on protein structure/function; This variant is associated with the following publications: (PMID: 22250184, 16793208, 29143597, 17404776)

Juno Genomics, Hangzhou Juno Genomics, Inc
Classification: Likely pathogenic for Glycogen storage disease, type V. Review status: criteria provided, single submitter. Criteria: ACMG Guidelines, 2015. Collection method: clinical testing. Allele origin: germline. Affected: yes.
Comment: Absent from controls (or at extremely low frequency if recessive) in Genome Aggregation Database, Exome Sequencing Project, 1000 Genomes Project, or Exome Aggregation Consortium.;Multiple lines of computational evidence support a deleterious effect on the gene or gene product (conservation, evolutionary, splicing impact, etc).;For recessive disorders, detected in trans with a pathogenic variant.;Patient's phenotype or family history is highly specific for a disease with a single genetic etiology.

Literature cited by the submitters: PubMed 16793208 (cited by 4 submitters); PubMed 22250184 (cited by 3 submitters); PubMed 17404776 (cited by Labcorp Genetics (formerly Invitae), Labcorp); PubMed 29143597 (cited by 3 submitters).